The following is an entry in ClinVar:

NM_018191.4(RCBTB1):c.64C>T (p.Arg22Trp)

Gene: RCBTB1 (RCC1 and BTB domain containing protein 1; minus strand). Cytogenetic location: 13q14.2.
Variant type: single nucleotide variant.
Coding change: c.64C>T on transcript NM_018191.4 (MANE Select); coding-DNA position 64, C replaced by T.
Protein change: p.Arg22Trp; replaces arginine 22 with tryptophan.
Molecular consequence: missense variant. On other transcripts: 5 prime UTR variant (1), non-coding transcript variant (2).
Genome position (GRCh38, 1-based): chr13:49,567,216, G>A on the plus strand (C>T on the coding strand, the complement: RCBTB1 is on the minus strand). VCF-style: chr13-49567216-G-A. GRCh37 (hg19) VCF-style: chr13-50141352-G-A.
Other names: c.64C>T, p.Arg22Trp (NM_001352500.2, NM_001352501.2, NM_001352502.2 and 3 more transcripts); c.-546C>T (NM_001352506.2); short protein forms R22W.
Identifiers: ClinVar variation 837263 (VCV000837263.9), dbSNP rs865934938, ClinGen allele CA249378653.

ClinVar aggregate classification (germline): Uncertain significance. Review status: criteria provided, multiple submitters, no conflicts (2 of 4 stars). 2 submissions from 2 submitters: Uncertain significance (2). Last evaluated 2024-10-29.

Allele frequency attached by ClinVar (database versions not stated): gnomAD exomes 0.00001; TOPMed 0.00003; gnomAD 0.00005 and 0.00006.
gnomAD v4.1: 25 of 1,613,746 alleles (0.0015%); highest among the groups gnomAD compares: Middle Eastern, 0.033%; no homozygotes.

Submissions (2):

Labcorp Genetics (formerly Invitae), Labcorp
Classification: Uncertain significance. Last evaluated: 2024-10-29. Review status: criteria provided, single submitter. Criteria: Invitae Variant Classification Sherloc (09022015). Collection method: clinical testing. Allele origin: germline.
Comment: This sequence change replaces arginine, which is basic and polar, with tryptophan, which is neutral and slightly polar, at codon 22 of the RCBTB1 protein (p.Arg22Trp). This variant is present in population databases (no rsID available, gnomAD 0.008%). This variant has not been reported in the literature in individuals affected with RCBTB1-related conditions. ClinVar contains an entry for this variant (Variation ID: 837263). An algorithm developed to predict the effect of missense changes on protein structure and function (PolyPhen-2) suggests that this variant is likely to be disruptive. In summary, the available evidence is currently insufficient to determine the role of this variant in disease. Therefore, it has been classified as a Variant of Uncertain Significance.

Ambry Genetics
Classification: Uncertain significance. Last evaluated: 2021-09-16. Review status: criteria provided, single submitter. Criteria: Ambry Variant Classification Scheme 2023. Collection method: clinical testing. Allele origin: germline.